The following is an entry in ClinVar:

NM_000117.3(EMD):c.533A>C (p.Asp178Ala)

Gene: EMD (emerin; plus strand). Cytogenetic location: Xq28.
Variant type: single nucleotide variant.
Coding change: c.533A>C on transcript NM_000117.3 (MANE Select); coding-DNA position 533, A replaced by C.
Protein change: p.Asp178Ala; replaces aspartic acid 178 with alanine.
Molecular consequence: missense variant.
Genome position (GRCh38, 1-based): chrX:154,380,965, A>C. VCF-style: chrX-154380965-A-C. GRCh37 (hg19) VCF-style: chrX-153609325-A-C.
Other names: short protein forms D178A.
Identifiers: ClinVar variation 4744474 (VCV004744474.1).

ClinVar aggregate classification (germline): Uncertain significance (1 of 4 stars; one submission).

Conditions:
X-linked Emery-Dreifuss muscular dystrophy. Also called: Muscular dystrophy, tardive Emery-Dreifuss type, with contractures. Identifiers: Orphanet 261, Orphanet 98863, MedGen C0751337, MONDO:0010680.

Submission:

Labcorp Genetics (formerly Invitae), Labcorp
Classification: Uncertain significance for X-linked Emery-Dreifuss muscular dystrophy. Last evaluated: 2025-09-05. Review status: criteria provided, single submitter. Criteria: Invitae Variant Classification Sherloc (09022015). Collection method: clinical testing. Allele origin: germline.
Comment: This sequence change replaces aspartic acid, which is acidic and polar, with alanine, which is neutral and non-polar, at codon 178 of the EMD protein (p.Asp178Ala). This variant is not present in population databases (gnomAD no frequency). This variant has not been reported in the literature in individuals affected with EMD-related conditions. Invitae Evidence Modeling of protein sequence and biophysical properties (such as structural, functional, and spatial information, amino acid conservation, physicochemical variation, residue mobility, and thermodynamic stability) indicates that this missense variant is not expected to disrupt EMD protein function with a negative predictive value of 80%. In summary, the available evidence is currently insufficient to determine the role of this variant in disease. Therefore, it has been classified as a Variant of Uncertain Significance.